The following is an entry in ClinVar:

ClinVar aggregate classification (germline): Uncertain significance (1 of 4 stars; one submission).

Allele frequency attached by ClinVar (database versions not stated): gnomAD exomes 0.00005; ExAC 0.00023; ESP Exome Variant Server 0.00046; gnomAD 0.00054; TOPMed 0.00056; 1000 Genomes Project 30x 0.00094; 1000 Genomes Project 0.00120.
gnomAD v4.1: 120 of 1,612,588 alleles (0.0074%); highest among the groups gnomAD compares: African/African-American, 0.13%; no homozygotes.

Submission:

Labcorp Genetics (formerly Invitae), Labcorp
Classification: Uncertain significance. Last evaluated: 2025-10-21. Review status: criteria provided, single submitter. Criteria: Invitae Variant Classification Sherloc (09022015). Collection method: clinical testing. Allele origin: germline.
Comment: This sequence change replaces threonine, which is neutral and polar, with isoleucine, which is neutral and non-polar, at codon 2836 of the LAMA5 protein (p.Thr2836Ile). This variant is present in population databases (rs148091161, gnomAD 0.1%). This variant has not been reported in the literature in individuals affected with LAMA5-related conditions. ClinVar contains an entry for this variant (Variation ID: 2043449). An algorithm developed to predict the effect of missense changes on protein structure and function outputs the following: PolyPhen-2: "Benign". The isoleucine amino acid residue is found in multiple mammalian species, which suggests that this missense change does not adversely affect protein function. In summary, the available evidence is currently insufficient to determine the role of this variant in disease. Therefore, it has been classified as a Variant of Uncertain Significance.

NM_005560.6(LAMA5):c.8507C>T (p.Thr2836Ile)

Gene: LAMA5 (laminin subunit alpha 5; minus strand). Cytogenetic location: 20q13.33.
Variant type: single nucleotide variant.
Coding change: c.8507C>T on transcript NM_005560.6 (MANE Select); coding-DNA position 8507, C replaced by T.
Protein change: p.Thr2836Ile; replaces threonine 2836 with isoleucine.
Molecular consequence: missense variant.
Genome position (GRCh38, 1-based): chr20:62,313,800, G>A on the plus strand (C>T on the coding strand, the complement: LAMA5 is on the minus strand). VCF-style: chr20-62313800-G-A. GRCh37 (hg19) VCF-style: chr20-60888856-G-A.
Other names: short protein forms T2836I.
Identifiers: ClinVar variation 2043449 (VCV002043449.4), dbSNP rs148091161, ClinGen allele CA9940665.
Genomic context (GRCh38, chr20:62,313,800, plus strand): 5'-CCCTTGGTTTCCTGGATCATCTGTCTCTCCACTGTGACGGACATGTGGCCAAACTGGAGA[G>A]TCCTGAGGGCAGAGGCGAGGGGTGGCGAGTGGGCACGGAGAGATGAGGGGTGGCGAGTGG-3'
Protein context (NP_005551.3, residues 2826-2846): EQFAAVSLDR[Thr2836Ile]LQFGHMSVTV